The following is an entry in ClinVar:

ClinVar aggregate classification (germline): Uncertain significance (1 of 4 stars; one submission).

gnomAD v4.1: 2 of 1,576,606 alleles (0.00013%); highest among the groups gnomAD compares: Admixed American, 0.0017%; no homozygotes.

Submission:

Ambry Genetics
Classification: Uncertain significance. Last evaluated: 2025-05-29. Review status: criteria provided, single submitter. Criteria: Ambry Variant Classification Scheme 2023. Collection method: clinical testing. Allele origin: germline.
Comment: The p.Y436C variant (also known as c.1307A>G), located in coding exon 13 of the SRP72 gene, results from an A to G substitution at nucleotide position 1307. The tyrosine at codon 436 is replaced by cysteine, an amino acid with highly dissimilar properties. This amino acid position is conserved. In addition, the in silico prediction for this alteration is inconclusive. Based on the available evidence, the clinical significance of this variant remains unclear.

NM_006947.4(SRP72):c.1307A>G (p.Tyr436Cys)

Gene: SRP72 (signal recognition particle 72; plus strand). Cytogenetic location: 4q12.
Variant type: single nucleotide variant.
Coding change: c.1307A>G on transcript NM_006947.4 (MANE Select); coding-DNA position 1307, A replaced by G.
Protein change: p.Tyr436Cys; replaces tyrosine 436 with cysteine.
Molecular consequence: missense variant. On other transcripts: non-coding transcript variant (1).
Genome position (GRCh38, 1-based): chr4:56,489,470, A>G. VCF-style: chr4-56489470-A-G. GRCh37 (hg19) VCF-style: chr4-57355636-A-G.
Other names: c.1124A>G, p.Tyr375Cys (NM_001267722.2); short protein forms Y375C, Y436C.
Identifiers: ClinVar variation 3962125 (VCV003962125.1).